The following is an entry in ClinVar:

ClinVar aggregate classification (germline): Uncertain significance (1 of 4 stars; one submission).

Conditions:
Ornithine carbamoyltransferase deficiency (OTCD). Also called: ORNITHINE TRANSCARBAMYLASE DEFICIENCY; ORNITHINE TRANSCARBAMYLASE DEFICIENCY, HYPERAMMONEMIA DUE TO; OTC DEFICIENCY; Ornithine Carbamoyltransferase Deficiency Disease. Identifiers: Orphanet 664, MedGen C0268542, MONDO:0010703, OMIM 311250.

gnomAD v4.1: 1 of 1,192,987 alleles (0.000084%); highest among the groups gnomAD compares: African/African-American, 0.0017%; no homozygotes.

Submission:

Color Diagnostics, LLC DBA Color Health
Classification: Uncertain significance for Ornithine carbamoyltransferase deficiency. Last evaluated: 2025-08-04. Review status: criteria provided, single submitter. Criteria: ACMG Guidelines, 2015. Collection method: clinical testing. Allele origin: germline.
Comment: This variant is located in the 5' untranslated region of the OTC gene. To our knowledge, functional studies have not been reported for this variant. This variant has not been reported in individuals affected with OTC-related disorders in the literature. This variant has not been identified in the general population by the Genome Aggregation Database (gnomAD). The available evidence is insufficient to determine the role of this variant in disease conclusively. Therefore, this variant is classified as a Variant of Uncertain Significance.

NM_000531.6(OTC):c.-2A>T

Gene: OTC (ornithine transcarbamylase; plus strand). Cytogenetic location: Xp11.4.
Variant type: single nucleotide variant.
Coding change: c.-2A>T on transcript NM_000531.6 (MANE Select); 2 bases upstream of the start codon, A replaced by T.
Molecular consequence: 5 prime UTR variant.
Genome position (GRCh38, 1-based): chrX:38,352,695, A>T. VCF-style: chrX-38352695-A-T. GRCh37 (hg19) VCF-style: chrX-38211948-A-T.
Other names: c.-2A>T (NM_001407092.1).
Identifiers: ClinVar variation 4758121 (VCV004758121.1).